The following is an entry in ClinVar:

NM_000465.4(BARD1):c.1207A>G (p.Ser403Gly)

Gene: BARD1 (BRCA1 associated RING domain 1; minus strand). Cytogenetic location: 2q35.
Variant type: single nucleotide variant.
Coding change: c.1207A>G on transcript NM_000465.4 (MANE Select); coding-DNA position 1207, A replaced by G.
Protein change: p.Ser403Gly; replaces serine 403 with glycine.
Molecular consequence: missense variant. On other transcripts: non-coding transcript variant (2), intron variant (3).
Genome position (GRCh38, 1-based): chr2:214,780,667, T>C on the plus strand (A>G on the coding strand, the complement: BARD1 is on the minus strand). VCF-style: chr2-214780667-T-C. GRCh37 (hg19) VCF-style: chr2-215645391-T-C.
Other names: c.1150A>G, p.Ser384Gly (NM_001282543.2); c.159-28112A>G (NM_001282548.2); c.215+16394A>G (NM_001282545.2); c.364+11630A>G (NM_001282549.2); short protein forms S403G, S384G.
Identifiers: ClinVar variation 406747 (VCV000406747.25), dbSNP rs1060501286, ClinGen allele CA16610733.

ClinVar aggregate classification (germline): Uncertain significance. Review status: criteria provided, multiple submitters, no conflicts (2 of 4 stars). 6 submissions from 6 submitters: Uncertain significance (6). Last evaluated 2025-11-04.

Conditions:
Hereditary cancer-predisposing syndrome. Also called: Hereditary Cancer Syndrome; Hereditary neoplastic syndrome; Neoplastic Syndromes, Hereditary; Tumor predisposition. Identifiers: Orphanet 140162, MedGen C0027672, MeSH D009386, MONDO:0015356.
Familial cancer of breast. Also called: BREAST CANCER, FAMILIAL; Hereditary breast cancer; hereditary breast carcinoma. Identifiers: Orphanet 227535, MedGen C0346153, MONDO:0016419, OMIM 114480. Disease mechanism: loss of function.

Allele frequency attached by ClinVar (database versions not stated): gnomAD exomes below 0.00001.
gnomAD v4.1: 8 of 1,614,090 alleles (0.0005%); highest among the groups gnomAD compares: South Asian, 0.0033%; no homozygotes.

Submissions (6):

Labcorp Genetics (formerly Invitae), Labcorp
Classification: Uncertain significance for Familial cancer of breast. Last evaluated: 2025-11-04. Review status: criteria provided, single submitter. Criteria: Invitae Variant Classification Sherloc (09022015). Collection method: clinical testing. Allele origin: germline.
Comment: This sequence change replaces serine, which is neutral and polar, with glycine, which is neutral and non-polar, at codon 403 of the BARD1 protein (p.Ser403Gly). This variant is not present in population databases (gnomAD no frequency). This variant has not been reported in the literature in individuals affected with BARD1-related conditions. ClinVar contains an entry for this variant (Variation ID: 406747). An algorithm developed to predict the effect of missense changes on protein structure and function outputs the following: PolyPhen-2: "Benign". The glycine amino acid residue is found in multiple mammalian species, which suggests that this missense change does not adversely affect protein function. In summary, the available evidence is currently insufficient to determine the role of this variant in disease. Therefore, it has been classified as a Variant of Uncertain Significance.

Ambry Genetics
Classification: Uncertain significance for Hereditary cancer-predisposing syndrome. Last evaluated: 2025-06-13. Review status: criteria provided, single submitter. Criteria: Ambry Variant Classification Scheme 2023. Collection method: clinical testing. Allele origin: germline.
Comment: The p.S403G variant (also known as c.1207A>G), located in coding exon 4 of the BARD1 gene, results from an A to G substitution at nucleotide position 1207. The serine at codon 403 is replaced by glycine, an amino acid with similar properties. This amino acid position is not well conserved in available vertebrate species. In addition, this alteration is predicted to be tolerated by in silico analysis. Since supporting evidence is limited at this time, the clinical significance of this alteration remains unclear.

GeneDx
Classification: Uncertain significance. Last evaluated: 2025-05-05. Review status: criteria provided, single submitter. Criteria: GeneDx Variant Classification Process June 2021. Collection method: clinical testing. Allele origin: germline. Affected: yes.
Comment: Not observed at significant frequency in large population cohorts (gnomAD); In silico analysis suggests that this missense variant does not alter protein structure/function; Has not been previously published as pathogenic or benign to our knowledge

Color Diagnostics, LLC DBA Color Health
Classification: Uncertain significance for Hereditary cancer-predisposing syndrome. Last evaluated: 2024-03-06. Review status: criteria provided, single submitter. Criteria: ACMG Guidelines, 2015. Collection method: clinical testing. Allele origin: germline.
Comment: This missense variant replaces serine with glycine at codon 403 of the BARD1 protein. Computational prediction suggests that this variant may not impact protein structure and function (internally defined REVEL score threshold <= 0.5, PMID: 27666373). To our knowledge, functional studies have not been reported for this variant. This variant has not been reported in individuals affected with hereditary cancer in the literature. This variant has not been identified in the general population by the Genome Aggregation Database (gnomAD). The available evidence is insufficient to determine the role of this variant in disease conclusively. Therefore, this variant is classified as a Variant of Uncertain Significance.

Department of Pathology and Laboratory Medicine, Sinai Health System
Classification: Uncertain significance for Familial cancer of breast. Last evaluated: 2023-10-08. Review status: criteria provided, single submitter. Criteria: ACMG Guidelines, 2015. Collection method: clinical testing. Allele origin: germline. Affected: yes.

Neuberg Centre For Genomic Medicine, NCGM
Classification: Uncertain significance for Familial cancer of breast. Review status: criteria provided, single submitter. Criteria: ACMG Guidelines, 2015. Collection method: clinical testing. Allele origin: germline. Inheritance: Autosomal dominant inheritance. Affected: yes.
Comment: The missense variant c.1207A>G (p.Ser403Gly) in BARD1 gene has not been reported previously as a pathogenic variant nor as a benign variant, to our knowledge. This variant has been reported to the ClinVar database as Uncertain Significance. The p.Ser403Gly variant is novel (not in any individuals) in gnomAD Exomes and 1000 Genomes.The amino acid Ser at position 403 is changed to a Gly changing protein sequence and it might alter its composition and physico-chemical properties. In silico tools predict the variant to be tolerated. The residue is variable across species. For these reasons, this variant has been classified as Uncertain Significance.